The following is an entry in ClinVar:

NM_001042492.3(NF1):c.5610-17T>G

Gene: NF1 (neurofibromin 1; plus strand). Cytogenetic location: 17q11.2.
Variant type: single nucleotide variant.
Coding change: c.5610-17T>G on transcript NM_001042492.3 (MANE Select); 17 bases into the intron before coding-DNA position 5610, T replaced by G.
Molecular consequence: intron variant.
Genome position (GRCh38, 1-based): chr17:31,330,279, T>G. VCF-style: chr17-31330279-T-G. GRCh37 (hg19) VCF-style: chr17-29657297-T-G.
Other names: c.5547-17T>G (NM_000267.4).
Identifiers: ClinVar variation 2134721 (VCV002134721.4), dbSNP rs2508717306, ClinGen allele CA2580093352.

ClinVar aggregate classification (germline): Uncertain significance (1 of 4 stars; one submission).

Conditions:
Neurofibromatosis, type 1 (NF1). Also called: Peripheral type neurofibromatosis; VON RECKLINGHAUSEN DISEASE; NEUROFIBROMATOSIS, TYPE I, SOMATIC; Neurofibromatosis, type I. Identifiers: Orphanet 636, MedGen C0027831, MONDO:0018975, OMIM 162200. Disease mechanism: loss of function.

Submission:

Labcorp Genetics (formerly Invitae), Labcorp
Classification: Uncertain significance for Neurofibromatosis, type 1. Last evaluated: 2024-04-23. Review status: criteria provided, single submitter. Criteria: Invitae Variant Classification Sherloc (09022015). Collection method: clinical testing. Allele origin: germline.
Comment: This sequence change falls in intron 37 of the NF1 gene. It does not directly change the encoded amino acid sequence of the NF1 protein. This variant is not present in population databases (gnomAD no frequency). This variant has not been reported in the literature in individuals affected with NF1-related conditions. ClinVar contains an entry for this variant (Variation ID: 2134721). Algorithms developed to predict the effect of sequence changes on RNA splicing suggest that this variant may disrupt the consensus splice site. In summary, the available evidence is currently insufficient to determine the role of this variant in disease. Therefore, it has been classified as a Variant of Uncertain Significance.